The following is an entry in ClinVar:

ClinVar aggregate classification (germline): Uncertain significance. Review status: criteria provided, multiple submitters, no conflicts (2 of 4 stars). 3 submissions from 3 submitters: Uncertain significance (3). Last evaluated 2025-04-01.

Conditions:
Inborn genetic diseases. Identifiers: MedGen C0950123, MeSH D030342.
Bardet-Biedl syndrome (BBS). Identifiers: Orphanet 110, MedGen C0752166, MONDO:0015229.

Allele frequency attached by ClinVar (database versions not stated): TOPMed below 0.00001; gnomAD 0.00001; gnomAD exomes 0.00002; ExAC 0.00003; 1000 Genomes Project 30x 0.00016; 1000 Genomes Project 0.00020.
gnomAD v4.1: 27 of 1,613,836 alleles (0.0017%); highest among the groups gnomAD compares: South Asian, 0.029%; no homozygotes.

Submissions (3):

Ambry Genetics
Classification: Uncertain significance for Inborn genetic diseases. Last evaluated: 2025-04-01. Review status: criteria provided, single submitter. Criteria: Ambry Variant Classification Scheme 2023. Collection method: clinical testing. Allele origin: germline.

Blueprint Genetics
Classification: Uncertain significance. Last evaluated: 2024-05-17. Review status: criteria provided, single submitter. Criteria: ACMG Guidelines, 2015. Collection method: clinical testing. Allele origin: germline.

Labcorp Genetics (formerly Invitae), Labcorp
Classification: Uncertain significance for Bardet-Biedl syndrome. Last evaluated: 2022-05-01. Review status: criteria provided, single submitter. Criteria: Invitae Variant Classification Sherloc (09022015). Collection method: clinical testing. Allele origin: germline.
Comment: This sequence change replaces arginine, which is basic and polar, with glycine, which is neutral and non-polar, at codon 234 of the BBS10 protein (p.Arg234Gly). This variant is present in population databases (rs534432274, gnomAD 0.03%). This variant has not been reported in the literature in individuals affected with BBS10-related conditions. Algorithms developed to predict the effect of missense changes on protein structure and function are either unavailable or do not agree on the potential impact of this missense change (SIFT: "Deleterious"; PolyPhen-2: "Possibly Damaging"; Align-GVGD: "Class C15"). In summary, the available evidence is currently insufficient to determine the role of this variant in disease. Therefore, it has been classified as a Variant of Uncertain Significance.

NM_024685.4(BBS10):c.700A>G (p.Arg234Gly)

Gene: BBS10 (Bardet-Biedl syndrome 10; minus strand). Cytogenetic location: 12q21.2.
Variant type: single nucleotide variant.
Coding change: c.700A>G on transcript NM_024685.4 (MANE Select); coding-DNA position 700, A replaced by G.
Protein change: p.Arg234Gly; replaces arginine 234 with glycine.
Molecular consequence: missense variant.
Genome position (GRCh38, 1-based): chr12:76,347,285, T>C on the plus strand (A>G on the coding strand, the complement: BBS10 is on the minus strand). VCF-style: chr12-76347285-T-C. GRCh37 (hg19) VCF-style: chr12-76741065-T-C.
Other names: c.700A>G (NM_024685.3); short protein forms R234G.
Identifiers: ClinVar variation 2144327 (VCV002144327.3), dbSNP rs534432274, ClinGen allele CA6694299.